The following is an entry in ClinVar:

NM_005094.4(SLC27A4):c.1039C>T (p.Arg347Trp)

Gene: SLC27A4 (solute carrier family 27 member 4; plus strand). Cytogenetic location: 9q34.11.
Variant type: single nucleotide variant.
Coding change: c.1039C>T on transcript NM_005094.4 (MANE Select); coding-DNA position 1039, C replaced by T.
Protein change: p.Arg347Trp; replaces arginine 347 with tryptophan.
Molecular consequence: missense variant.
Genome position (GRCh38, 1-based): chr9:128,353,076, C>T. VCF-style: chr9-128353076-C-T. GRCh37 (hg19) VCF-style: chr9-131115355-C-T.
Other names: c.1039C>T (NM_005094.3); short protein forms R347W.
Identifiers: ClinVar variation 2181187 (VCV002181187.2), dbSNP rs770921425, ClinGen allele CA5261164.

ClinVar aggregate classification (germline): Uncertain significance. Review status: criteria provided, multiple submitters, no conflicts (2 of 4 stars). 2 submissions from 2 submitters: Uncertain significance (2). Last evaluated 2022-10-03.

Conditions:
Inborn genetic diseases. Identifiers: MedGen C0950123, MeSH D030342.

Allele frequency attached by ClinVar (database versions not stated): ExAC 0.00002; TOPMed 0.00004; gnomAD 0.00006.
gnomAD v4.1: 34 of 1,613,982 alleles (0.0021%); highest among the groups gnomAD compares: Admixed American, 0.028%; no homozygotes.

Submissions (2):

Ambry Genetics
Classification: Uncertain significance for Inborn genetic diseases. Last evaluated: 2022-10-03. Review status: criteria provided, single submitter. Criteria: Ambry Variant Classification Scheme 2023. Collection method: clinical testing. Allele origin: germline.

Labcorp Genetics (formerly Invitae), Labcorp
Classification: Uncertain significance. Last evaluated: 2021-12-25. Review status: criteria provided, single submitter. Criteria: Invitae Variant Classification Sherloc (09022015). Collection method: clinical testing. Allele origin: germline.
Comment: This sequence change replaces arginine, which is basic and polar, with tryptophan, which is neutral and slightly polar, at codon 347 of the SLC27A4 protein (p.Arg347Trp). This variant is present in population databases (rs770921425, gnomAD 0.02%). This variant has not been reported in the literature in individuals affected with SLC27A4-related conditions. Algorithms developed to predict the effect of missense changes on protein structure and function are either unavailable or do not agree on the potential impact of this missense change (SIFT: "Deleterious"; PolyPhen-2: "Probably Damaging"; Align-GVGD: "Class C0"). In summary, the available evidence is currently insufficient to determine the role of this variant in disease. Therefore, it has been classified as a Variant of Uncertain Significance.